The following is an entry in ClinVar:

NM_004385.5(VCAN):c.591C>T (p.Asp197=)

Gene: VCAN (versican; plus strand). Cytogenetic location: 5q14.2.
Variant type: single nucleotide variant.
Coding change: c.591C>T on transcript NM_004385.5 (MANE Select); coding-DNA position 591, C replaced by T.
Protein change: p.Asp197=; no amino-acid change (aspartic acid 197 retained).
Molecular consequence: synonymous variant.
Genome position (GRCh38, 1-based): chr5:83,493,691, C>T. VCF-style: chr5-83493691-C-T. GRCh37 (hg19) VCF-style: chr5-82789510-C-T.
Other names: c.591C>T, p.Asp197= (NM_001126336.3, NM_001164097.2, NM_001164098.2).
Identifiers: ClinVar variation 354391 (VCV000354391.18), dbSNP rs148875090, ClinGen allele CA3332479.

ClinVar aggregate classification (germline): Benign/Likely benign. Review status: criteria provided, multiple submitters, no conflicts (2 of 4 stars). 4 submissions from 4 submitters: Benign (2); Likely benign (2). Last evaluated 2026-09-04.

Conditions:
VCAN-related disorder. Also called: VCAN-related condition.
Vitreoretinopathy. Also called: Vitreoretinal degeneration. Identifiers: MedGen C0344290, MONDO:0020248, HP:0007773.

Allele frequency attached by ClinVar (database versions not stated): gnomAD exomes 0.00008 and 0.00019; ExAC 0.00021; ESP Exome Variant Server 0.00038; gnomAD 0.00050 and 0.00051; TOPMed 0.00059; 1000 Genomes Project 0.00060; 1000 Genomes Project 30x 0.00062.
gnomAD v4.1: 198 of 1,614,108 alleles (0.012%); highest among the groups gnomAD compares: African/African-American, 0.15%; no homozygotes.

Submissions (4):

PreventionGenetics, part of Exact Sciences
Classification: Likely benign for VCAN-related condition. Last evaluated: 2026-09-04. Review status: criteria provided, single submitter. Criteria: ACMG Guidelines, 2015. Collection method: clinical testing. Allele origin: germline.
Comment: This variant is classified as likely benign based on ACMG/AMP sequence variant interpretation guidelines (Richards et al. 2015 PMID: 25741868, with internal and published modifications).

Labcorp Genetics (formerly Invitae), Labcorp
Classification: Benign. Last evaluated: 2026-01-05. Review status: criteria provided, single submitter. Criteria: Invitae Variant Classification Sherloc (09022015). Collection method: clinical testing. Allele origin: germline.

Blueprint Genetics
Classification: Likely benign. Last evaluated: 2023-12-28. Review status: criteria provided, single submitter. Criteria: ACMG Guidelines, 2015. Collection method: clinical testing. Allele origin: germline.

Illumina Laboratory Services, Illumina
Classification: Benign for Vitreoretinopathy. Last evaluated: 2018-01-13. Review status: criteria provided, single submitter. Criteria: ICSL Variant Classification Criteria 13 December 2019. Collection method: clinical testing. Allele origin: germline.
Comment: This variant was observed in the ICSL laboratory as part of a predisposition screen in an ostensibly healthy population. It had not been previously curated by ICSL or reported in the Human Gene Mutation Database (HGMD: prior to June 1st, 2018), and was therefore a candidate for classification through an automated scoring system. Utilizing variant allele frequency, disease prevalence and penetrance estimates, and inheritance mode, an automated score was calculated to assess if this variant is too frequent to cause the disease. Based on the score and internal cut-off values, a variant classified as benign is not then subjected to further curation. The score for this variant resulted in a classification of benign for this disease.